The following is an entry in ClinVar:

NM_017780.4(CHD7):c.8076+6T>C

Gene: CHD7 (chromodomain helicase DNA binding protein 7; plus strand). Cytogenetic location: 8q12.2.
Variant type: single nucleotide variant.
Coding change: c.8076+6T>C on transcript NM_017780.4 (MANE Select); 6 bases into the intron after coding-DNA position 8076, T replaced by C.
Molecular consequence: intron variant.
Genome position (GRCh38, 1-based): chr8:60,862,658, T>C. VCF-style: chr8-60862658-T-C. GRCh37 (hg19) VCF-style: chr8-61775217-T-C.
Other names: c.1929+6T>C (NM_001316690.1).
Identifiers: ClinVar variation 2778192 (VCV002778192.3), dbSNP rs2488122994, ClinGen allele CA2687401238.

ClinVar aggregate classification (germline): Uncertain significance (1 of 4 stars; one submission).

Conditions:
CHARGE syndrome (CHARGE). Also called: Hittner Hirsch Kreh syndrome; CHARGE ASSOCIATION--COLOBOMA, HEART ANOMALY, CHOANAL ATRESIA, RETARDATION, GENITAL AND EAR ANOMALIES; Coloboma, heart anomaly, choanal atresia, retardation, genital and ear anomalies; CHARGE association; Hall-Hittner syndrome. Identifiers: Orphanet 138, MedGen C0265354, MONDO:0008965.

Submission:

Labcorp Genetics (formerly Invitae), Labcorp
Classification: Uncertain significance for CHARGE syndrome. Last evaluated: 2023-04-27. Review status: criteria provided, single submitter. Criteria: Invitae Variant Classification Sherloc (09022015). Collection method: clinical testing. Allele origin: germline.
Comment: In summary, the available evidence is currently insufficient to determine the role of this variant in disease. Therefore, it has been classified as a Variant of Uncertain Significance. Variants that disrupt the consensus splice site are a relatively common cause of aberrant splicing (PMID: 17576681, 9536098). Algorithms developed to predict the effect of sequence changes on RNA splicing suggest that this variant may disrupt the consensus splice site. This variant has not been reported in the literature in individuals affected with CHD7-related conditions. This variant is not present in population databases (gnomAD no frequency). This sequence change falls in intron 37 of the CHD7 gene. It does not directly change the encoded amino acid sequence of the CHD7 protein. It affects a nucleotide within the consensus splice site.

Literature cited by the submitters: PubMed 17576681; PubMed 9536098.